The following is an entry in ClinVar:

NM_001148.6(ANK2):c.148T>A (p.Tyr50Asn)

Gene: ANK2 (ankyrin 2; plus strand). Cytogenetic location: 4q25.
Variant type: single nucleotide variant.
Coding change: c.148T>A on transcript NM_001148.6 (MANE Select); coding-DNA position 148, T replaced by A.
Protein change: p.Tyr50Asn; replaces tyrosine 50 with asparagine.
Molecular consequence: missense variant.
Genome position (GRCh38, 1-based): chr4:113,174,479, T>A. VCF-style: chr4-113174479-T-A. GRCh37 (hg19) VCF-style: chr4-114095635-T-A.
Other names: c.85T>A, p.Tyr29Asn (NM_001127493.3, NM_001354239.2, NM_001354243.2 and 33 more transcripts); c.148T>A, p.Tyr50Asn (NM_001354225.2, NM_001354228.2, NM_001354232.2 and 9 more transcripts); c.193T>A, p.Tyr65Asn (NM_001354230.2, NM_001354231.2, NM_001354237.2 and 5 more transcripts); c.130T>A, p.Tyr44Asn (NM_001354261.2, NM_001386147.1, NM_001386160.1); c.136T>A, p.Tyr46Asn (NM_001354269.3, NM_001386148.2, NM_001386186.2 and 1 more transcripts); c.199T>A, p.Tyr67Asn (NM_001386174.1, NM_001386175.1); short protein forms Y50N, Y65N, Y67N, Y29N, Y44N, Y46N.
Identifiers: ClinVar variation 1965476 (VCV001965476.6), dbSNP rs1257039963, ClinGen allele CA357992977.

ClinVar aggregate classification (germline): Uncertain significance. Review status: criteria provided, multiple submitters, no conflicts (2 of 4 stars). 2 submissions from 2 submitters: Uncertain significance (2). Last evaluated 2025-12-09.

Conditions:
Long QT syndrome (LQTS). Identifiers: MedGen C0023976, MeSH D008133, MONDO:0002442. Disease mechanism: loss of function. Inheritance: Various modes of inheritance.
Cardiovascular phenotype. Identifiers: MedGen CN230736.

Allele frequency attached by ClinVar (database versions not stated): gnomAD exomes below 0.00001; gnomAD 0.00001.
gnomAD v4.1: 3 of 1,613,082 alleles (0.00019%); highest among the groups gnomAD compares: African/African-American, 0.004%; no homozygotes.

Submissions (2):

Ambry Genetics
Classification: Uncertain significance for Cardiovascular phenotype. Last evaluated: 2025-12-09. Review status: criteria provided, single submitter. Criteria: Ambry Variant Classification Scheme 2023. Collection method: clinical testing. Allele origin: germline.
Comment: The p.Y50N variant (also known as c.148T>A), located in coding exon 2 of the ANK2 gene, results from a T to A substitution at nucleotide position 148. The tyrosine at codon 50 is replaced by asparagine, an amino acid with dissimilar properties. This amino acid position is well conserved in available vertebrate species. In addition, the in silico prediction for this alteration is inconclusive. Based on the available evidence, the clinical significance of this variant remains unclear.

Labcorp Genetics (formerly Invitae), Labcorp
Classification: Uncertain significance for Long QT syndrome. Last evaluated: 2022-04-12. Review status: criteria provided, single submitter. Criteria: Invitae Variant Classification Sherloc (09022015). Collection method: clinical testing. Allele origin: germline.
Comment: In summary, the available evidence is currently insufficient to determine the role of this variant in disease. Therefore, it has been classified as a Variant of Uncertain Significance. Algorithms developed to predict the effect of missense changes on protein structure and function are either unavailable or do not agree on the potential impact of this missense change (SIFT: "Tolerated"; PolyPhen-2: "Probably Damaging"; Align-GVGD: "Class C0"). This variant has not been reported in the literature in individuals affected with ANK2-related conditions. This variant is present in population databases (no rsID available, gnomAD 0.02%). This sequence change replaces tyrosine, which is neutral and polar, with asparagine, which is neutral and polar, at codon 50 of the ANK2 protein (p.Tyr50Asn).